The following is an entry in ClinVar:

NM_006231.4(POLE):c.5042A>G (p.Asn1681Ser)

Gene: POLE (DNA polymerase epsilon, catalytic subunit; minus strand). Cytogenetic location: 12q24.33.
Variant type: single nucleotide variant.
Coding change: c.5042A>G on transcript NM_006231.4 (MANE Select); coding-DNA position 5042, A replaced by G.
Protein change: p.Asn1681Ser; replaces asparagine 1681 with serine.
Molecular consequence: missense variant.
Genome position (GRCh38, 1-based): chr12:132,642,308, T>C on the plus strand (A>G on the coding strand, the complement: POLE is on the minus strand). VCF-style: chr12-132642308-T-C. GRCh37 (hg19) VCF-style: chr12-133218894-T-C.
Other names: short protein forms N1681S.
Identifiers: ClinVar variation 3308351 (VCV003308351.1).

ClinVar aggregate classification (germline): Uncertain significance (1 of 4 stars; one submission).

Conditions:
Hereditary cancer-predisposing syndrome. Also called: Tumor predisposition; Hereditary Cancer Syndrome; Hereditary neoplastic syndrome; Neoplastic Syndromes, Hereditary. Identifiers: Orphanet 140162, MedGen C0027672, MeSH D009386, MONDO:0015356.

Submission:

Ambry Genetics
Classification: Uncertain significance for Hereditary cancer-predisposing syndrome. Last evaluated: 2024-04-24. Review status: criteria provided, single submitter. Criteria: Ambry Variant Classification Scheme 2023. Collection method: clinical testing. Allele origin: germline.
Comment: The p.N1681S variant (also known as c.5042A>G), located in coding exon 38 of the POLE gene, results from an A to G substitution at nucleotide position 5042. The asparagine at codon 1681 is replaced by serine, an amino acid with highly similar properties. This amino acid position is conserved. In addition, this alteration is predicted to be tolerated by in silico analysis. Based on the available evidence, the clinical significance of this variant remains unclear.